The following is an entry in ClinVar:

ClinVar aggregate classification (germline): Benign/Likely benign. Review status: criteria provided, multiple submitters, no conflicts (2 of 4 stars). 3 submissions from 3 submitters: Benign (1); Likely benign (1). 1 of the submissions does not count toward it. Last evaluated 2025-11-25.

Conditions:
TELO2-related disorder. Also called: TELO2-related condition.

Allele frequency attached by ClinVar (database versions not stated): gnomAD exomes 0.00003; ExAC 0.00024; ESP Exome Variant Server 0.00038; TOPMed 0.00046; 1000 Genomes Project 30x 0.00047; gnomAD 0.00055; 1000 Genomes Project 0.00060.
gnomAD v4.1: 119 of 1,599,878 alleles (0.0074%); highest among the groups gnomAD compares: African/African-American, 0.14%; no homozygotes.

Submissions (3):

Labcorp Genetics (formerly Invitae), Labcorp
Classification: Benign. Last evaluated: 2025-11-25. Review status: criteria provided, single submitter. Criteria: Invitae Variant Classification Sherloc (09022015). Collection method: clinical testing. Allele origin: germline.

CeGaT Center for Human Genetics Tuebingen
Classification: Likely benign. Last evaluated: 2024-10-01. Review status: criteria provided, single submitter. Criteria: CeGaT Center For Human Genetics Tuebingen Variant Classification Criteria Version 2. Collection method: clinical testing. Allele origin: germline. Affected: yes. Observed: 1 variant allele.
Comment: TELO2: BP4, BP7

PreventionGenetics, part of Exact Sciences
Classification: Likely benign for TELO2-related condition. Last evaluated: 2019-08-14. Review status: no assertion criteria provided. Collection method: clinical testing. Allele origin: germline. Not counted in ClinVar's aggregate classification.
Comment: This variant is classified as likely benign based on ACMG/AMP sequence variant interpretation guidelines (Richards et al. 2015 PMID: 25741868, with internal and published modifications).

NM_016111.4(TELO2):c.2331C>G (p.Val777=)

Gene: TELO2 (telomere maintenance 2; plus strand). Cytogenetic location: 16p13.3.
Variant type: single nucleotide variant.
Coding change: c.2331C>G on transcript NM_016111.4 (MANE Select); coding-DNA position 2331, C replaced by G.
Protein change: p.Val777=; no amino-acid change (valine 777 retained).
Molecular consequence: synonymous variant.
Genome position (GRCh38, 1-based): chr16:1,507,640, C>G. VCF-style: chr16-1507640-C-G. GRCh37 (hg19) VCF-style: chr16-1557641-C-G.
Other names: c.2331C>G (NM_016111.3); c.2331C>G, p.Val777= (NM_001351846.2).
Identifiers: ClinVar variation 2725819 (VCV002725819.19), dbSNP rs144453567, ClinGen allele CA7812632.